The following is an entry in ClinVar:

ClinVar aggregate classification (germline): Uncertain significance (1 of 4 stars; one submission).

Conditions:
Early-infantile DEE. Also called: Early infantile epileptic encephalopathy; Ohtahara syndrome; Early infantile epileptic encephalopathy with suppression bursts. Identifiers: Orphanet 1934, MedGen C0393706, MONDO:0800491.

Allele frequency attached by ClinVar (database versions not stated): TOPMed 0.00001; ESP Exome Variant Server 0.00008.
gnomAD v4.1: 4 of 1,613,792 alleles (0.00025%); highest among the groups gnomAD compares: Non-Finnish European, 0.00034%; no homozygotes.

Submission:

Labcorp Genetics (formerly Invitae), Labcorp
Classification: Uncertain significance for Early-infantile DEE. Last evaluated: 2022-08-09. Review status: criteria provided, single submitter. Criteria: Invitae Variant Classification Sherloc (09022015). Collection method: clinical testing. Allele origin: germline.
Comment: This sequence change replaces threonine, which is neutral and polar, with alanine, which is neutral and non-polar, at codon 369 of the ST3GAL3 protein (p.Thr369Ala). This variant is present in population databases (rs142076884, gnomAD 0.0009%). This variant has not been reported in the literature in individuals affected with ST3GAL3-related conditions. ClinVar contains an entry for this variant (Variation ID: 949033). Algorithms developed to predict the effect of missense changes on protein structure and function (SIFT, PolyPhen-2, Align-GVGD) all suggest that this variant is likely to be tolerated. In summary, the available evidence is currently insufficient to determine the role of this variant in disease. Therefore, it has been classified as a Variant of Uncertain Significance.

NM_006279.5(ST3GAL3):c.1105A>G (p.Thr369Ala)

Gene: ST3GAL3 (ST3 beta-galactoside alpha-2,3-sialyltransferase 3; plus strand). Cytogenetic location: 1p34.1.
Variant type: single nucleotide variant.
Coding change: c.1105A>G on transcript NM_006279.5 (MANE Select); coding-DNA position 1105, A replaced by G.
Protein change: p.Thr369Ala; replaces threonine 369 with alanine.
Molecular consequence: missense variant. On other transcripts: 3 prime UTR variant (4), non-coding transcript variant (8).
Genome position (GRCh38, 1-based): chr1:43,930,198, A>G. VCF-style: chr1-43930198-A-G. GRCh37 (hg19) VCF-style: chr1-44395870-A-G.
Other names: c.1015A>G, p.Thr339Ala (NM_001270459.2); c.1012A>G, p.Thr338Ala (NM_001270460.2); c.763A>G, p.Thr255Ala (NM_001270461.3); c.670A>G, p.Thr224Ala (NM_001270462.3); c.*15A>G (NM_001270463.3, NM_001270464.3, NM_001270466.3); c.*89A>G (NM_001270465.3); c.1346A>G, p.His449Arg (NM_001350619.2); c.1301A>G, p.His434Arg (NM_001350620.2); and 11 more; short protein forms H155R, T271A, T423A, H139R, H341R, H434R, T224A, T255A.
Identifiers: ClinVar variation 949033 (VCV000949033.10), dbSNP rs142076884, ClinGen allele CA814915.